The following is an entry in ClinVar:

ClinVar aggregate classification (germline): Benign. Review status: criteria provided, multiple submitters, no conflicts (2 of 4 stars). 2 submissions from 2 submitters: Benign (2). Last evaluated 2026-01-16.

Conditions:
Dent disease type 1 (DENT1). Also called: NEPHROLITHIASIS 2; NEPHROLITHIASIS, HYPERCALCIURIC, X-LINKED. Identifiers: Orphanet 1652, Orphanet 93622, MedGen C1848336, MONDO:0010225, OMIM 300009.

Allele frequency attached by ClinVar (database versions not stated): gnomAD exomes 0.00014; 1000 Genomes Project 0.00053; 1000 Genomes Project 30x 0.00083; gnomAD 0.00126 and 0.00136; TOPMed 0.00148; ESP Exome Variant Server 0.00199.
gnomAD v4.1: 300 of 1,208,660 alleles (0.025%); highest among the groups gnomAD compares: African/African-American, 0.47%; 1 homozygote.

Submissions (2):

Labcorp Genetics (formerly Invitae), Labcorp
Classification: Benign. Last evaluated: 2026-01-16. Review status: criteria provided, single submitter. Criteria: Invitae Variant Classification Sherloc (09022015). Collection method: clinical testing. Allele origin: germline.

Illumina Laboratory Services, Illumina
Classification: Benign for Dent disease type 1. Last evaluated: 2018-01-13. Review status: criteria provided, single submitter. Criteria: ICSL Variant Classification Criteria 13 December 2019. Collection method: clinical testing. Allele origin: germline.
Comment: This variant was observed in the ICSL laboratory as part of a predisposition screen in an ostensibly healthy population. It had not been previously curated by ICSL or reported in the Human Gene Mutation Database (HGMD: prior to June 1st, 2018), and was therefore a candidate for classification through an automated scoring system. Utilizing variant allele frequency, disease prevalence and penetrance estimates, and inheritance mode, an automated score was calculated to assess if this variant is too frequent to cause the disease. Based on the score and internal cut-off values, a variant classified as benign is not then subjected to further curation. The score for this variant resulted in a classification of benign for this disease.

NM_001127898.4(CLCN5):c.1473C>T (p.Gly491=)

Gene: CLCN5 (Cl-/H+ antiporter 5; plus strand). Cytogenetic location: Xp11.23.
Variant type: single nucleotide variant.
Coding change: c.1473C>T on transcript NM_001127898.4 (MANE Select); coding-DNA position 1473, C replaced by T.
Protein change: p.Gly491=; no amino-acid change (glycine 491 retained).
Molecular consequence: synonymous variant.
Genome position (GRCh38, 1-based): chrX:50,086,786, C>T. VCF-style: chrX-50086786-C-T. GRCh37 (hg19) VCF-style: chrX-49851443-C-T.
Other names: c.1263C>T, p.Gly421= (NM_000084.5); c.1473C>T, p.Gly491= (NM_001127899.4); c.1323C>T, p.Gly441= (NM_001282163.2).
Identifiers: ClinVar variation 368483 (VCV000368483.15), dbSNP rs145670120, ClinGen allele CA10413882.